The following is an entry in ClinVar:

ClinVar aggregate classification (germline): Uncertain significance (1 of 4 stars; one submission).

Conditions:
Leukodystrophy, hypomyelinating, 12. Identifiers: Orphanet 466934, MedGen C4225247, MONDO:0014732, OMIM 616683.

Allele frequency attached by ClinVar (database versions not stated): gnomAD exomes 0.00001.
gnomAD v4.1: 8 of 1,613,794 alleles (0.0005%); highest among the groups gnomAD compares: Non-Finnish European, 0.00059%; no homozygotes.

Submission:

Victorian Clinical Genetics Services, Murdoch Childrens Research Institute
Classification: Uncertain significance for Leukodystrophy, hypomyelinating, 12. Last evaluated: 2019-08-28. Review status: criteria provided, single submitter. Criteria: ACMG Guidelines, 2015. Collection method: clinical testing. Allele origin: germline. Inheritance: Autosomal recessive inheritance. Affected: yes.
Comment: A heterozygous missense variant, NM_021729.5(VPS11):c.2440C>T, has been identified in exon 15 of 16 of the VPS11 gene. The variant is predicted to result in a moderate amino acid change from proline to serine at position 814 of the protein (NP_068375.3(VPS11):p.(Pro814Ser)). The proline residue at this position has high conservation (100 vertebrates, UCSC), but is not located within a well established functional domain. In silico predictions of pathogenicity for this variant are conflicting (Polyphen, SIFT, CADD, Mutation Taster). The variant is present in the gnomAD database at a frequency of 0.0004% (1 heterozygote, 0 homozygotes). This variant has not been previously reported in clinical cases. Based on the information available at the time of curation, this variant has been classified as a VARIANT of UNCERTAIN SIGNIFICANCE (VUS).

NM_021729.6(VPS11):c.2440C>T (p.Pro814Ser)

Gene: VPS11 (VPS11 core subunit of CORVET and HOPS complexes; plus strand). Cytogenetic location: 11q23.3.
Variant type: single nucleotide variant.
Coding change: c.2440C>T on transcript NM_021729.6 (MANE Select); coding-DNA position 2440, C replaced by T.
Protein change: p.Pro814Ser; replaces proline 814 with serine.
Molecular consequence: missense variant. On other transcripts: non-coding transcript variant (8).
Genome position (GRCh38, 1-based): chr11:119,081,093, C>T. VCF-style: chr11-119081093-C-T. GRCh37 (hg19) VCF-style: chr11-118951803-C-T.
Other names: c.2410C>T, p.Pro804Ser (NM_001290185.2); c.2452C>T, p.Pro818Ser (NM_001378218.1, NM_001378219.1); c.2425C>T, p.Pro809Ser (NM_001378220.1); c.2422C>T, p.Pro808Ser (NM_001378221.1); short protein forms P804S, P808S, P809S, P814S, P818S.
Identifiers: ClinVar variation 1806320 (VCV001806320.1), dbSNP rs1376082673, ClinGen allele CA382979954.
Genomic context (GRCh38, chr11:119,081,093, plus strand): 5'-CTTGACTCCTGGCCTTGCCCTCACTTTTGCCACTCACTTCTGGTCTTTCTTCCCTGTAGT[C>T]CTAAGATTTTCCAAAAGACCAAGTGCAGCATCTGTAACAGTGCCTTGGAGTTGCCCTCAG-3'
Protein context (NP_068375.3, residues 804-824): RQEIQELKAS[Pro814Ser]KIFQKTKCSI